The following is an entry in ClinVar:

ClinVar aggregate classification (germline): Benign/Likely benign. Review status: criteria provided, multiple submitters, no conflicts (2 of 4 stars). 3 submissions from 3 submitters: Benign (2); Likely benign (1). Last evaluated 2026-04-01.

Conditions:
Leukodystrophy, hypomyelinating, 8, with or without oligodontia and/or hypogonadotropic hypogonadism. Also called: LEUKODYSTROPHY, HYPOMYELINATING, 8, WITH HYPODONTIA AND HYPOGONADOTROPIC HYPOGONADISM; Hypomyelinating leukodystrophy 8 with or without oligodontia and-or hypogonadotropic hypogonadism; Endosteal sclerosis-cerebellar hypoplasia syndrome. Identifiers: Orphanet 85186, Orphanet 88637, MedGen C3280644, MONDO:0013722, OMIM 614381.

Allele frequency attached by ClinVar (database versions not stated): gnomAD exomes 0.00215; ExAC 0.00228; 1000 Genomes Project 30x 0.00640; ESP Exome Variant Server 0.00015; gnomAD 0.00060 and 0.00105; 1000 Genomes Project 0.00639; TOPMed 0.00062.
gnomAD v4.1: 1,308 of 1,599,058 alleles (0.082%); highest among the groups gnomAD compares: East Asian, 0.85%; 27 homozygotes.

Submissions (3):

CeGaT Center for Human Genetics Tuebingen
Classification: Likely benign. Last evaluated: 2026-04-01. Review status: criteria provided, single submitter. Criteria: CeGaT Center For Human Genetics Tuebingen Variant Classification Criteria Version 2. Collection method: clinical testing. Allele origin: germline. Affected: yes. Observed: 2 variant alleles.
Comment: POLR3B: BP4, BP7, BS2

Labcorp Genetics (formerly Invitae), Labcorp
Classification: Benign. Last evaluated: 2026-01-19. Review status: criteria provided, single submitter. Criteria: Invitae Variant Classification Sherloc (09022015). Collection method: clinical testing. Allele origin: germline.

Illumina Laboratory Services, Illumina
Classification: Benign for Leukodystrophy, hypomyelinating, 8, with or without oligodontia and/or hypogonadotropic hypogonadism. Last evaluated: 2018-01-13. Review status: criteria provided, single submitter. Criteria: ICSL Variant Classification Criteria 13 December 2019. Collection method: clinical testing. Allele origin: germline.
Comment: This variant was observed in the ICSL laboratory as part of a predisposition screen in an ostensibly healthy population. It had not been previously curated by ICSL or reported in the Human Gene Mutation Database (HGMD: prior to June 1st, 2018), and was therefore a candidate for classification through an automated scoring system. Utilizing variant allele frequency, disease prevalence and penetrance estimates, and inheritance mode, an automated score was calculated to assess if this variant is too frequent to cause the disease. Based on the score and internal cut-off values, a variant classified as benign is not then subjected to further curation. The score for this variant resulted in a classification of benign for this disease.

NM_018082.6(POLR3B):c.399C>T (p.Ile133=)

Gene: POLR3B (RNA polymerase III subunit B; plus strand). Cytogenetic location: 12q23.3.
Variant type: single nucleotide variant.
Coding change: c.399C>T on transcript NM_018082.6 (MANE Select); coding-DNA position 399, C replaced by T.
Protein change: p.Ile133=; no amino-acid change (isoleucine 133 retained).
Molecular consequence: synonymous variant.
Genome position (GRCh38, 1-based): chr12:106,369,678, C>T. VCF-style: chr12-106369678-C-T. GRCh37 (hg19) VCF-style: chr12-106763456-C-T.
Other names: c.225C>T, p.Ile75= (NM_001160708.2).
Identifiers: ClinVar variation 306927 (VCV000306927.19), dbSNP rs147328031, ClinGen allele CA6761675.
Genomic context (GRCh38, chr12:106,369,678, plus strand): 5'-TACAGTGGATATTGAATATACCCGAGGCAGCCAGAGGATCATCCGCAATGCCTTACCTAT[C>T]GGCAGGTGAGAAATGAAATCCGTATTAGAGCCACACTGCCTGGATTCCAGCCCCATGATG-3'
Protein context (NP_060552.4, residues 123-143): SQRIIRNALP[Ile133=]GRMPIMLRSS